The following is an entry in ClinVar:

NM_133433.4(NIPBL):c.6439G>A (p.Val2147Ile)

Gene: NIPBL (NIPBL cohesin loading factor; plus strand). Cytogenetic location: 5p13.2.
Variant type: single nucleotide variant.
Coding change: c.6439G>A on transcript NM_133433.4 (MANE Select); coding-DNA position 6439, G replaced by A.
Protein change: p.Val2147Ile; replaces valine 2147 with isoleucine.
Molecular consequence: missense variant.
Genome position (GRCh38, 1-based): chr5:37,045,538, G>A. VCF-style: chr5-37045538-G-A. GRCh37 (hg19) VCF-style: chr5-37045640-G-A.
Other names: c.6439G>A (NM_133433.3); c.6439G>A, p.Val2147Ile (NM_015384.5); short protein forms V2147I.
Identifiers: ClinVar variation 3659704 (VCV003659704.3).

ClinVar aggregate classification (germline): Conflicting classifications of pathogenicity. Review status: criteria provided, conflicting classifications (1 of 4 stars). 2 submissions from 2 submitters: Uncertain significance (1); Likely benign (1). Last evaluated 2025-01-28.

Conditions:
Cornelia de Lange syndrome 1 (CDLS1). Also called: Brachmann de Lange syndrome; NIPBL-Related Cornelia de Lange Syndrome; TYPUS DEGENERATIVUS AMSTELODAMENSIS. Identifiers: Orphanet 199, MedGen C4551851, MONDO:0007387, OMIM 122470.
Inborn genetic diseases. Identifiers: MedGen C0950123, MeSH D030342.

gnomAD v4.1: 30 of 1,613,828 alleles (0.0019%); highest among the groups gnomAD compares: South Asian, 0.0077%; no homozygotes.

Submissions (2):

Ambry Genetics
Classification: Likely benign for Inborn genetic diseases. Last evaluated: 2025-01-28. Review status: criteria provided, single submitter. Criteria: Ambry Variant Classification Scheme 2023. Collection method: clinical testing. Allele origin: germline.

Labcorp Genetics (formerly Invitae), Labcorp
Classification: Uncertain significance for Cornelia de Lange syndrome 1. Last evaluated: 2024-11-27. Review status: criteria provided, single submitter. Criteria: Invitae Variant Classification Sherloc (09022015). Collection method: clinical testing. Allele origin: germline.
Comment: This sequence change replaces valine, which is neutral and non-polar, with isoleucine, which is neutral and non-polar, at codon 2147 of the NIPBL protein (p.Val2147Ile). This variant is present in population databases (rs757080818, gnomAD 0.01%). This variant has not been reported in the literature in individuals affected with NIPBL-related conditions. Invitae Evidence Modeling of protein sequence and biophysical properties (such as structural, functional, and spatial information, amino acid conservation, physicochemical variation, residue mobility, and thermodynamic stability) has been performed for this missense variant. However, the output from this modeling did not meet the statistical confidence thresholds required to predict the impact of this variant on NIPBL protein function. In summary, the available evidence is currently insufficient to determine the role of this variant in disease. Therefore, it has been classified as a Variant of Uncertain Significance.